The following is an entry in ClinVar:

ClinVar aggregate classification (germline): Uncertain significance (1 of 4 stars; one submission).

Allele frequency attached by ClinVar (database versions not stated): gnomAD exomes below 0.00001.
gnomAD v4.1: 4 of 1,576,898 alleles (0.00025%); highest among the groups gnomAD compares: East Asian, 0.0023%; no homozygotes.

Submission:

Labcorp Genetics (formerly Invitae), Labcorp
Classification: Uncertain significance. Last evaluated: 2024-01-23. Review status: criteria provided, single submitter. Criteria: Invitae Variant Classification Sherloc (09022015). Collection method: clinical testing. Allele origin: germline.
Comment: This sequence change replaces threonine, which is neutral and polar, with asparagine, which is neutral and polar, at codon 63 of the RAB28 protein (p.Thr63Asn). This variant is not present in population databases (gnomAD no frequency). This variant has not been reported in the literature in individuals affected with RAB28-related conditions. ClinVar contains an entry for this variant (Variation ID: 956817). An algorithm developed to predict the effect of missense changes on protein structure and function (PolyPhen-2) suggests that this variant is likely to be disruptive. In summary, the available evidence is currently insufficient to determine the role of this variant in disease. Therefore, it has been classified as a Variant of Uncertain Significance.

NM_001017979.3(RAB28):c.188C>A (p.Thr63Asn)

Gene: RAB28 (RAB28, member RAS oncogene family; minus strand). Cytogenetic location: 4p15.33.
Variant type: single nucleotide variant.
Coding change: c.188C>A on transcript NM_001017979.3 (MANE Select); coding-DNA position 188, C replaced by A.
Protein change: p.Thr63Asn; replaces threonine 63 with asparagine.
Molecular consequence: missense variant.
Genome position (GRCh38, 1-based): chr4:13,474,391, G>T on the plus strand (C>A on the coding strand, the complement: RAB28 is on the minus strand). VCF-style: chr4-13474391-G-T. GRCh37 (hg19) VCF-style: chr4-13476015-G-T.
Other names: c.188C>A, p.Thr63Asn (NM_001159601.2, NM_004249.4); short protein forms T63N.
Identifiers: ClinVar variation 956817 (VCV000956817.9), dbSNP rs1716255211, ClinGen allele CA356374411.